The following is an entry in ClinVar:

NM_000426.4(LAMA2):c.445C>T (p.Pro149Ser)

Gene: LAMA2 (laminin subunit alpha 2; plus strand). Cytogenetic location: 6q22.33.
Variant type: single nucleotide variant.
Coding change: c.445C>T on transcript NM_000426.4 (MANE Select); coding-DNA position 445, C replaced by T.
Protein change: p.Pro149Ser; replaces proline 149 with serine.
Molecular consequence: missense variant.
Genome position (GRCh38, 1-based): chr6:129,098,221, C>T. VCF-style: chr6-129098221-C-T. GRCh37 (hg19) VCF-style: chr6-129419366-C-T.
Other names: c.445C>T, p.Pro149Ser (NM_001079823.2); short protein forms P149S.
Identifiers: ClinVar variation 854236 (VCV000854236.6), dbSNP rs1775303155, ClinGen allele CA365829135.

ClinVar aggregate classification (germline): Uncertain significance (1 of 4 stars; one submission).

Conditions:
LAMA2-related muscular dystrophy (LAMA2-RD). Also called: Laminin alpha 2-related dystrophy. Identifiers: MedGen C5679788, MONDO:0100228.

Allele frequency attached by ClinVar (database versions not stated): gnomAD exomes below 0.00001; gnomAD 0.00001; TOPMed 0.00001.
gnomAD v4.1: 4 of 1,613,942 alleles (0.00025%); highest among the groups gnomAD compares: Non-Finnish European, 0.00017%; no homozygotes.

Submission:

Labcorp Genetics (formerly Invitae), Labcorp
Classification: Uncertain significance for LAMA2-related muscular dystrophy. Last evaluated: 2022-07-19. Review status: criteria provided, single submitter. Criteria: Invitae Variant Classification Sherloc (09022015). Collection method: clinical testing. Allele origin: germline.
Comment: This sequence change replaces proline, which is neutral and non-polar, with serine, which is neutral and polar, at codon 149 of the LAMA2 protein (p.Pro149Ser). This variant is not present in population databases (gnomAD no frequency). This variant has not been reported in the literature in individuals affected with LAMA2-related conditions. ClinVar contains an entry for this variant (Variation ID: 854236). Algorithms developed to predict the effect of missense changes on protein structure and function are either unavailable or do not agree on the potential impact of this missense change (SIFT: "Deleterious"; PolyPhen-2: "Probably Damaging"; Align-GVGD: "Class C0"). Algorithms developed to predict the effect of sequence changes on RNA splicing suggest that this variant may create or strengthen a splice site. In summary, the available evidence is currently insufficient to determine the role of this variant in disease. Therefore, it has been classified as a Variant of Uncertain Significance.